The following is an entry in ClinVar:

NM_018368.4(LMBRD1):c.473+10G>C

Gene: LMBRD1 (LMBR1 domain containing 1; minus strand). Cytogenetic location: 6q13.
Variant type: single nucleotide variant.
Coding change: c.473+10G>C on transcript NM_018368.4 (MANE Select); 10 bases into the intron after coding-DNA position 473, G replaced by C.
Molecular consequence: intron variant.
Genome position (GRCh38, 1-based): chr6:69,749,331, C>G on the plus strand (G>C on the coding strand, the complement: LMBRD1 is on the minus strand). VCF-style: chr6-69749331-C-G. GRCh37 (hg19) VCF-style: chr6-70459223-C-G.
Other names: c.254+10G>C (NM_001367272.1, NM_001367271.1, NM_001363722.2); c.473+10G>C (NM_018368.3).
Identifiers: ClinVar variation 2194186 (VCV002194186.6), dbSNP rs762181370, ClinGen allele CA3879895.

ClinVar aggregate classification (germline): Likely benign. Review status: criteria provided, single submitter (1 of 4 stars). 2 submissions from 2 submitters: Likely benign (1). 1 of the submissions does not count toward it. Last evaluated 2022-02-28.

Conditions:
Methylmalonic aciduria and homocystinuria type cblF. Also called: COBALAMIN F DISEASE; COBALAMIN, DEFECT IN LYSOSOMAL RELEASE OF; METHYLMALONIC ACIDEMIA AND HOMOCYSTINURIA, cblF TYPE; METHYLMALONIC ACIDURIA DUE TO VITAMIN B12-RELEASE DEFECT; VITAMIN B12 LYSOSOMAL RELEASE DEFECT; VITAMIN B12 STORAGE DISEASE. Identifiers: Orphanet 79284, MedGen C1848578, MONDO:0010183, OMIM 277380.
LMBRD1-related disorder. Also called: LMBRD1-related condition.

Allele frequency attached by ClinVar (database versions not stated): ExAC 0.00001; gnomAD 0.00001; TOPMed 0.00001.
gnomAD v4.1: 29 of 1,560,602 alleles (0.0019%); highest among the groups gnomAD compares: Non-Finnish European, 0.0024%; no homozygotes.

Submissions (2):

Labcorp Genetics (formerly Invitae), Labcorp
Classification: Likely benign for Methylmalonic aciduria and homocystinuria type cblF. Last evaluated: 2022-02-28. Review status: criteria provided, single submitter. Criteria: Invitae Variant Classification Sherloc (09022015). Collection method: clinical testing. Allele origin: germline.

PreventionGenetics, part of Exact Sciences
Classification: Likely benign for LMBRD1-related condition. Last evaluated: 2019-05-24. Review status: no assertion criteria provided. Collection method: clinical testing. Allele origin: germline. Not counted in ClinVar's aggregate classification.
Comment: This variant is classified as likely benign based on ACMG/AMP sequence variant interpretation guidelines (Richards et al. 2015 PMID: 25741868, with internal and published modifications).